The following is an entry in ClinVar:

NM_024753.5(TTC21B):c.2074G>C (p.Glu692Gln)

Gene: TTC21B (tetratricopeptide repeat domain 21B; minus strand). Cytogenetic location: 2q24.3.
Variant type: single nucleotide variant.
Coding change: c.2074G>C on transcript NM_024753.5 (MANE Select); coding-DNA position 2074, G replaced by C.
Protein change: p.Glu692Gln; replaces glutamic acid 692 with glutamine.
Molecular consequence: missense variant.
Genome position (GRCh38, 1-based): chr2:165,915,265, C>G on the plus strand (G>C on the coding strand, the complement: TTC21B is on the minus strand). VCF-style: chr2-165915265-C-G. GRCh37 (hg19) VCF-style: chr2-166771775-C-G.
Other names: short protein forms E692Q.
Identifiers: ClinVar variation 1485716 (VCV001485716.8), dbSNP rs1686122784, ClinGen allele CA349058684.
Genomic context (GRCh38, chr2:165,915,265, plus strand): 5'-AACAAGTGATATATAACATTTTATCTTTTCTGTGCTTCAGATAAATATCTGCCATTTTTT[C>G]TCTGGCCTCTATAAAATAAGGCTGTTCGGCTGTAACATTCTGAAGGATGCTTAAAGCCCG-3'
Protein context (NP_079029.3, residues 682-702): AEQPYFIEAR[Glu692Gln]KMADIYLKHR

ClinVar aggregate classification (germline): Uncertain significance (1 of 4 stars; one submission).

Conditions:
Nephronophthisis. Also called: Juvenile Nephronophthisis. Identifiers: Orphanet 655, MedGen C0687120, MONDO:0019005, HP:0000090.
Jeune thoracic dystrophy. Also called: Jeune syndrome; Infantile thoracic dystrophy; Thoracic pelvic phalangeal dystrophy; Jeune's syndrome; Chondroectodermal dysplasia-like syndrome; Short-rib thoracic dysplasia. Identifiers: Orphanet 474, MedGen C0265275, MONDO:0018770.

Submission:

Labcorp Genetics (formerly Invitae), Labcorp
Classification: Uncertain significance for Jeune thoracic dystrophy; Nephronophthisis. Last evaluated: 2022-07-12. Review status: criteria provided, single submitter. Criteria: Invitae Variant Classification Sherloc (09022015). Collection method: clinical testing. Allele origin: germline.
Comment: ClinVar contains an entry for this variant (Variation ID: 1485716). Algorithms developed to predict the effect of missense changes on protein structure and function are either unavailable or do not agree on the potential impact of this missense change (SIFT: "Tolerated"; PolyPhen-2: "Possibly Damaging"; Align-GVGD: "Class C0"). In summary, the available evidence is currently insufficient to determine the role of this variant in disease. Therefore, it has been classified as a Variant of Uncertain Significance. This variant has not been reported in the literature in individuals affected with TTC21B-related conditions. This variant is not present in population databases (gnomAD no frequency). This sequence change replaces glutamic acid, which is acidic and polar, with glutamine, which is neutral and polar, at codon 692 of the TTC21B protein (p.Glu692Gln).